The following is an entry in ClinVar:

ClinVar aggregate classification (germline): Likely pathogenic (1 of 4 stars; one submission).

Conditions:
Dihydropyrimidine dehydrogenase deficiency (DPYDD). Also called: Hereditary Thymine-Uraciluria; DPD DEFICIENCY; DPYD DEFICIENCY. Identifiers: Orphanet 1675, MedGen C1959620, MONDO:0010130, OMIM 274270.

Submission:

Women's Health and Genetics/Laboratory Corporation of America, LabCorp
Classification: Likely pathogenic for Dihydropyrimidine dehydrogenase deficiency. Last evaluated: 2024-05-02. Review status: criteria provided, single submitter. Criteria: LabCorp Variant Classification Summary - May 2015. Collection method: clinical testing. Allele origin: germline.
Comment: Variant summary: The variant involves the duplication of exons 12-13 in the DPYD gene. A presumed nomenclature of c.(1339+1_1340-1)_(1740+1_1741-1)dup has been designated for the purposes of this classification. It is assumed to be a tandem duplication in direct orientation (PMIDs: 25640679, 30054569). This Copy Number Variant (CNV) is expected to alter the reading frame and predicted to result in a truncation or absence of the encoded protein due to nonsense mediated decay (NMD). The variant was absent from 21684 control chromosomes (gnomAD Structural Variants Database). To our knowledge, no occurrence of c.(1339+1_1340-1)_(1740+1_1741-1)dup in individuals affected with Dihydropyrimidine Dehydrogenase Deficiency and no experimental evidence demonstrating its impact on protein function have been reported. No submitters have cited clinical-significance assessments for this variant to ClinVar. Based on the evidence outlined above, the variant was classified as likely pathogenic.

NC_000001.10:g.(97915780_97981281)_(98015301_98039315)dup

Gene: DPYD (dihydropyrimidine dehydrogenase; minus strand). Cytogenetic location: 1p21.3.
Variant type: Duplication.
Identifiers: ClinVar variation 3336232 (VCV003336232.1).